The following is an entry in ClinVar:

NM_001267550.2(TTN):c.89279_89280del (p.Val29759_Tyr29760insTer)

Genes: TTN (titin; minus strand), TTN-AS1 (TTN antisense RNA 1; plus strand). Cytogenetic location: 2q31.2.
Variant type: Deletion.
Coding change: c.89279_89280del on transcript NM_001267550.2 (MANE Select); coding-DNA positions 89279 to 89280, 2 bases deleted (AT; older notation c.89279_89280delAT).
Protein change: p.Val29759_Tyr29760insTer.
Molecular consequence: nonsense.
Genome position (GRCh38, 1-based): chr2:178,553,725-178,553,726, AT deleted on the plus strand (AT on the coding strand, the reverse complement: TTN is on the minus strand); deleting any 2 consecutive bases within chr2:178,553,725-178,553,727 gives the same sequence; the c. name uses the placement nearest the transcript's 3' end. VCF-style (leftmost placement, unchanged base first): chr2-178553724-CAT-C. GRCh37 (hg19) VCF-style: chr2-179418451-CAT-C.
Other names: c.84356_84357del, p.Val28118_Tyr28119insTer (NM_001256850.1); c.62084_62085del, p.Val20694_Tyr20695insTer (NM_003319.4); c.81575_81576del, p.Val27191_Tyr27192insTer (NM_133378.4); c.62459_62460del, p.Val20819_Tyr20820insTer (NM_133432.3); c.62660_62661del, p.Val20886_Tyr20887insTer (NM_133437.4).
Identifiers: ClinVar variation 3757851 (VCV003757851.2).

ClinVar aggregate classification (germline): Likely pathogenic (1 of 4 stars; one submission).

Conditions:
Dilated cardiomyopathy 1G (CMD1G). Identifiers: Orphanet 154, MedGen C1858763, MONDO:0011400, OMIM 604145.
Autosomal recessive limb-girdle muscular dystrophy type 2J (LGMDR10). Also called: Limb-girdle muscular dystrophy, type 2J; MUSCULAR DYSTROPHY, LIMB-GIRDLE, AUTOSOMAL RECESSIVE 10. Identifiers: Orphanet 140922, MedGen C1837342, MONDO:0012127, OMIM 608807.

Submission:

Labcorp Genetics (formerly Invitae), Labcorp
Classification: Likely pathogenic for Dilated cardiomyopathy 1G; Autosomal recessive limb-girdle muscular dystrophy type 2J. Last evaluated: 2024-08-28. Review status: criteria provided, single submitter. Criteria: Invitae Variant Classification Sherloc (09022015). Collection method: clinical testing. Allele origin: germline.
Comment: This sequence change creates a premature translational stop signal (p.Tyr29760*) in the TTN gene. While this is not anticipated to result in nonsense mediated decay, it is expected to create a truncated TTN protein. This variant is not present in population databases (gnomAD no frequency). This variant has not been reported in the literature in individuals affected with TTN-related conditions. This variant is located in the A band of TTN (PMID: 25589632). Truncating variants in this region are significantly overrepresented in patients affected with dilated cardiomyopathy (PMID: 25589632). Truncating variants in this region have also been reported in individuals affected with autosomal recessive centronuclear myopathy (PMID: 23975875). In summary, the currently available evidence indicates that the variant is pathogenic, but additional data are needed to prove that conclusively. Therefore, this variant has been classified as Likely Pathogenic.

Literature cited by the submitters: PubMed 25589632; PubMed 23975875.